The following is an entry in ClinVar:

ClinVar aggregate classification (germline): Uncertain significance (1 of 4 stars; one submission).

Conditions:
Maturity-onset diabetes of the young type 4 (MODY4). Also called: MODY, type IV; Maturity-onset diabetes of the young, type IV. Identifiers: Orphanet 552, MedGen C1833382, MONDO:0011667, OMIM 606392.
Type 2 diabetes mellitus. Also called: Type II diabetes mellitus. Identifiers: MedGen C0011860, MeSH D003924, MONDO:0005148, OMIM 125853, HP:0005978.
Pancreatic agenesis 1 (PAGEN1). Also called: PANCREATIC HYPOPLASIA, CONGENITAL. Identifiers: Orphanet 2805, MedGen C3891828, MONDO:0024547, OMIM 260370.

Submission:

Juno Genomics, Hangzhou Juno Genomics, Inc
Classification: Uncertain significance for Type 2 diabetes mellitus; Maturity-onset diabetes of the young type 4; Pancreatic agenesis 1. Review status: criteria provided, single submitter. Criteria: ACMG Guidelines, 2015. Collection method: clinical testing. Allele origin: germline.
Comment: Null variant in a gene where loss of function (LOF) is a known mechanism of disease.;Absent from controls (or at extremely low frequency if recessive) in Genome Aggregation Database.

NM_000209.4(PDX1):c.750del (p.Ala251fs)

Gene: PDX1 (pancreatic and duodenal homeobox 1; plus strand). Cytogenetic location: 13q12.2.
Variant type: Deletion.
Coding change: c.750del on transcript NM_000209.4 (MANE Select); coding-DNA position 750, one base deleted (C; older notation c.750delC).
Protein change: p.Ala251fs; shifts the reading frame from alanine 251.
Molecular consequence: frameshift variant.
Genome position (GRCh38, 1-based): chr13:27,924,599, C deleted; the last of 3 consecutive C bases (chr13:27,924,597-27,924,599); deleting any one gives the same sequence. VCF-style (leftmost placement, unchanged base first): chr13-27924596-GC-G. GRCh37 (hg19) VCF-style: chr13-28498733-GC-G.
Other names: short protein forms A251fs.
Identifiers: ClinVar variation 5005239 (VCV005005239.2).